The following is an entry in ClinVar:

NR_197388.1(MIR17HG):n.4390G>A

Gene: MIR17HG (miR-17-92a-1 cluster host gene; plus strand). Cytogenetic location: 13q31.3.
Variant type: single nucleotide variant.
Molecular consequence: non-coding transcript variant (on NR_197388.1).
Genome position: GRCh38 VCF-style: chr13-91354199-G-A. GRCh37 (hg19) VCF-style: chr13-92006453-G-A.
Identifiers: ClinVar variation 3354168 (VCV003354168.1).
Genomic context (GRCh38, chr13:91,354,199, plus strand): 5'-AGTAAAGGTAAGGAGAGCTCAATCTGCACAGAGCCAGTTTTTAGTGTTTGATGGAAATAA[G>A]ATCATCATGCCCACTTGAGACTTCAGATTATTCTTTAGCTTAGTGGTTGTATGAGTTACA-3'

ClinVar aggregate classification (germline): Uncertain significance (0 of 4 stars; one submission).

Conditions:
MIR17HG-related disorder. Also called: MIR17HG-related condition.

Submission:

PreventionGenetics, part of Exact Sciences
Classification: Uncertain significance for MIR17HG-related condition. Last evaluated: 2024-04-11. Review status: no assertion criteria provided. Collection method: clinical testing. Allele origin: germline.
Comment: The MIR17HG n.4642G>A is a noncoding alteration. To our knowledge, this variant has not been reported in the literature. This variant is reported in 0.011% of alleles in individuals of African descent in gnomAD. At this time, the clinical significance of this variant is uncertain due to the absence of conclusive functional and genetic evidence.